The following is an entry in ClinVar:

ClinVar aggregate classification (germline): Conflicting classifications of pathogenicity. Review status: criteria provided, conflicting classifications (1 of 4 stars). 4 submissions from 4 submitters: Uncertain significance (1); Likely benign (3). Last evaluated 2022-12-12.

Conditions:
Hereditary breast ovarian cancer syndrome. Also called: Hereditary breast and ovarian cancer syndrome (HBOC); BRCA1- and BRCA2-Associated Hereditary Breast and Ovarian Cancer; Hereditary breast and ovarian cancer syndrome; Breast and ovarian cancer; Hereditary breast and ovarian cancer; Hereditary breast and/or ovarian cancer syndrome. Identifiers: Orphanet 145, MedGen C0677776, MeSH D061325, MONDO:0003582. Disease mechanism: loss of function.
Hereditary cancer-predisposing syndrome. Also called: Hereditary neoplastic syndrome; Neoplastic Syndromes, Hereditary; Tumor predisposition; Hereditary Cancer Syndrome. Identifiers: Orphanet 140162, MedGen C0027672, MeSH D009386, MONDO:0015356.

Submissions (4):

Ambry Genetics
Classification: Likely benign for Hereditary cancer-predisposing syndrome. Last evaluated: 2022-12-12. Review status: criteria provided, single submitter. Criteria: Ambry Variant Classification Scheme 2023. Collection method: clinical testing. Allele origin: germline.

Labcorp Genetics (formerly Invitae), Labcorp
Classification: Likely benign for Hereditary breast ovarian cancer syndrome. Last evaluated: 2021-06-15. Review status: criteria provided, single submitter. Criteria: Invitae Variant Classification Sherloc (09022015). Collection method: clinical testing. Allele origin: germline.

Women's Health and Genetics/Laboratory Corporation of America, LabCorp
Classification: Likely benign. Last evaluated: 2019-08-21. Review status: criteria provided, single submitter. Criteria: LabCorp Variant Classification Summary - May 2015. Collection method: clinical testing. Allele origin: germline.

GeneDx
Classification: Uncertain significance. Last evaluated: 2019-07-30. Review status: criteria provided, single submitter. Criteria: GeneDx Variant Classification Process June 2021. Collection method: clinical testing. Allele origin: germline. Affected: yes.
Comment: Not observed in large population cohorts (Lek 2016); Has not been previously published as pathogenic or benign to our knowledge; In-silico analysis, which includes splice predictors and evolutionary conservation, is inconclusive as to whether the variant alters gene splicing. In the absence of RNA/functional studies, the actual effect of this sequence change is unknown; Also known as BRCA1 c.542A>G

NM_007294.4(BRCA1):c.423A>G (p.Glu141=)

Gene: BRCA1 (BRCA1 DNA repair associated; minus strand). Cytogenetic location: 17q21.31.
Variant type: single nucleotide variant.
Coding change: c.423A>G on transcript NM_007294.4 (MANE Select); coding-DNA position 423, A replaced by G.
Protein change: p.Glu141=; no amino-acid change (glutamic acid 141 retained).
Molecular consequence: synonymous variant. On other transcripts: intron variant (2).
Genome position (GRCh38, 1-based): chr17:43,104,140, T>C on the plus strand (A>G on the coding strand, the complement: BRCA1 is on the minus strand). VCF-style: chr17-43104140-T-C. GRCh37 (hg19) VCF-style: chr17-41256157-T-C.
Other names: c.414A>G, p.Glu138= (NM_001408408.1, NM_001407646.1, NM_001407647.1); c.345A>G, p.Glu115= (NM_001408409.1, NM_001408411.1, NM_001408412.1 and 21 more transcripts); c.282A>G, p.Glu94= (NM_001408410.1, NM_001407942.1, NM_001407943.1 and 99 more transcripts); c.423A>G, p.Glu141= (NM_001408419.1, NM_001408420.1, NM_001408421.1 and 165 more transcripts); c.213A>G, p.Glu71= (NM_001407946.1, NM_001407947.1, NM_001407948.1 and 58 more transcripts); c.42A>G, p.Glu14= (NM_001407959.1, NM_001407960.1, NM_001407962.1 and 4 more transcripts); c.291A>G, p.Glu97= (NM_001408451.1); c.-218-9280A>G (NM_001407967.1, NM_001407966.1).
Identifiers: ClinVar variation 531516 (VCV000531516.21), dbSNP rs777102216, ClinGen allele CA500126666.